The following is an entry in ClinVar:

NM_000195.5(HPS1):c.666_668+8del

Gene: HPS1 (HPS1 biogenesis of lysosomal organelles complex 3 subunit 1; minus strand). Cytogenetic location: 10q24.2.
Variant type: Deletion.
Coding change: c.666_668+8del on transcript NM_000195.5 (MANE Select); coding-DNA position 666 through 8 bases into the intron after coding-DNA position 668, 11 bases deleted (TAGGTGAGCTC).
Molecular consequence: splice donor variant. On other transcripts: intron variant (5).
Genome position (GRCh38, 1-based): chr10:98,431,123-98,431,133, GAGCTCACCTA deleted on the plus strand (TAGGTGAGCTC on the coding strand, the reverse complement: HPS1 is on the minus strand); deleting any 11 consecutive bases within chr10:98,431,123-98,431,136 gives the same sequence; the c. name uses the placement nearest the transcript's 3' end. VCF-style (leftmost placement, unchanged base first): chr10-98431122-TGAGCTCACCTA-T. GRCh37 (hg19) VCF-style: chr10-100190879-TGAGCTCACCTA-T.
Other names: c.297_299+8del (NM_001322483.2, NM_001322485.2, NM_001322484.2); c.408-463_408-453del (NM_001322480.2, NM_001322482.2, NM_001322481.2); c.666_668+8del (NM_001322478.2, NM_001322476.2, NM_001322479.2 and 3 more transcripts); c.-208_-206+8del (NM_001322489.2, NM_001311345.2); c.-307_-305+8del (NM_001322487.2); c.551-463_551-453del (NM_001322492.2, NM_001322490.2).
Identifiers: ClinVar variation 4817888 (VCV004817888.1).

ClinVar aggregate classification (germline): Likely pathogenic (1 of 4 stars; one submission).

Conditions:
Hermansky-Pudlak syndrome (HPS). Also called: ALBINISM WITH HEMORRHAGIC DIATHESIS AND PIGMENTED RETICULOENDOTHELIAL CELLS. Identifiers: Orphanet 79430, MedGen C0079504, MONDO:0019312.

Submission:

Natera, Inc.
Classification: Likely pathogenic for Hermansky-Pudlak syndrome. Last evaluated: 2024-04-03. Review status: criteria provided, single submitter. Criteria: Natera Variant Classification Schema (03/2026). Collection method: clinical testing. Allele origin: germline.
Comment: The c.666_668+8delTAGGTGAGCTC variant in HPS1 is a frameshift variant predicted to shift the reading frame and introduce a stop codon. This variant is expected to result in nonsense mediated decay, truncation, or a dysfunctional protein product. This variant is rare in the general population with a frequency below the threshold expected for the associated phenotype(s). Given the available evidence, this variant is classified as Likely Pathogenic.